The following is an entry in ClinVar:

NM_173477.5(USH1G):c.1024C>T (p.Pro342Ser)

Gene: USH1G (USH1 protein network component sans; minus strand). Cytogenetic location: 17q25.1.
Variant type: single nucleotide variant.
Coding change: c.1024C>T on transcript NM_173477.5 (MANE Select); coding-DNA position 1024, C replaced by T.
Protein change: p.Pro342Ser; replaces proline 342 with serine.
Molecular consequence: missense variant.
Genome position (GRCh38, 1-based): chr17:74,919,812, G>A on the plus strand (C>T on the coding strand, the complement: USH1G is on the minus strand). VCF-style: chr17-74919812-G-A. GRCh37 (hg19) VCF-style: chr17-72915907-G-A.
Other names: c.715C>T, p.Pro239Ser (NM_001282489.3); short protein forms P239S, P342S.
Identifiers: ClinVar variation 1042639 (VCV001042639.7), dbSNP rs773103971, ClinGen allele CA8753947.

ClinVar aggregate classification (germline): Uncertain significance. Review status: criteria provided, multiple submitters, no conflicts (2 of 4 stars). 2 submissions from 2 submitters: Uncertain significance (2). Last evaluated 2023-10-27.

Allele frequency attached by ClinVar (database versions not stated): gnomAD exomes 0.00001 and 0.00002; TOPMed 0.00001; ExAC 0.00002.
gnomAD v4.1: 22 of 1,612,898 alleles (0.0014%); highest among the groups gnomAD compares: Admixed American, 0.0017%; no homozygotes.

Submissions (2):

Blueprint Genetics
Classification: Uncertain significance. Last evaluated: 2023-10-27. Review status: criteria provided, single submitter. Criteria: ACMG Guidelines, 2015. Collection method: clinical testing. Allele origin: germline.

Labcorp Genetics (formerly Invitae), Labcorp
Classification: Uncertain significance. Last evaluated: 2020-02-26. Review status: criteria provided, single submitter. Criteria: Invitae Variant Classification Sherloc (09022015). Collection method: clinical testing. Allele origin: germline.
Comment: This sequence change replaces proline with serine at codon 342 of the USH1G protein (p.Pro342Ser). The proline residue is moderately conserved and there is a moderate physicochemical difference between proline and serine. In summary, the available evidence is currently insufficient to determine the role of this variant in disease. Therefore, it has been classified as a Variant of Uncertain Significance. Algorithms developed to predict the effect of missense changes on protein structure and function are either unavailable or do not agree on the potential impact of this missense change (SIFT: Not Available; PolyPhen-2: "Benign"; Align-GVGD: Not Available). This variant has not been reported in the literature in individuals with USH1G-related conditions. This variant is present in population databases (rs773103971, ExAC 0.003%).